The following is an entry in ClinVar:

NM_000388.4(CASR):c.3167T>C (p.Val1056Ala)

Gene: CASR (calcium sensing receptor; plus strand). Cytogenetic location: 3q21.1.
Variant type: single nucleotide variant.
Coding change: c.3167T>C on transcript NM_000388.4 (MANE Select); coding-DNA position 3167, T replaced by C.
Protein change: p.Val1056Ala; replaces valine 1056 with alanine.
Molecular consequence: missense variant.
Genome position (GRCh38, 1-based): chr3:122,285,121, T>C. VCF-style: chr3-122285121-T-C. GRCh37 (hg19) VCF-style: chr3-122003968-T-C.
Other names: c.3197T>C, p.Val1066Ala (NM_001178065.2); short protein forms V1056A, V1066A.
Identifiers: ClinVar variation 2130817 (VCV002130817.4), dbSNP rs200531901, ClinGen allele CA82749616.

ClinVar aggregate classification (germline): Uncertain significance (1 of 4 stars; one submission).

Conditions:
Autosomal dominant hypocalcemia 1 (HYPOC1). Also called: HYPOCALCEMIA, FAMILIAL. Identifiers: MedGen C3715128, MONDO:0011013, OMIM 601198.
Familial hypocalciuric hypercalcemia (FHH). Also called: Familial benign hypercalcemia. Identifiers: Orphanet 405, MedGen C1809471, MONDO:0018458.

Submission:

Labcorp Genetics (formerly Invitae), Labcorp
Classification: Uncertain significance for Familial hypocalciuric hypercalcemia; Autosomal dominant hypocalcemia 1. Last evaluated: 2022-04-28. Review status: criteria provided, single submitter. Criteria: Invitae Variant Classification Sherloc (09022015). Collection method: clinical testing. Allele origin: germline.
Comment: In summary, the available evidence is currently insufficient to determine the role of this variant in disease. Therefore, it has been classified as a Variant of Uncertain Significance. This sequence change replaces valine, which is neutral and non-polar, with alanine, which is neutral and non-polar, at codon 1056 of the CASR protein (p.Val1056Ala). This variant is not present in population databases (gnomAD no frequency). This variant has not been reported in the literature in individuals affected with CASR-related conditions. Algorithms developed to predict the effect of missense changes on protein structure and function are either unavailable or do not agree on the potential impact of this missense change (SIFT: "Deleterious"; PolyPhen-2: "Benign"; Align-GVGD: "Class C0").